The following is an entry in ClinVar:

ClinVar aggregate classification (germline): Benign (1 of 4 stars; one submission).

Conditions:
Autosomal dominant Parkinson disease 8. Also called: LRRK2-Related Parkinson Disease; Parkinson disease 8; Parkinson disease 8, susceptibility to. Identifiers: Orphanet 411602, MedGen C1846862, MONDO:0011764, OMIM 607060.

Allele frequency attached by ClinVar (database versions not stated): gnomAD 0.00967 and 0.01033; 1000 Genomes Project 0.00978; 1000 Genomes Project 30x 0.01077; TOPMed 0.01095.

Submission:

Illumina Laboratory Services, Illumina
Classification: Benign for Autosomal dominant Parkinson disease 8. Last evaluated: 2018-01-13. Review status: criteria provided, single submitter. Criteria: ICSL Variant Classification Criteria 13 December 2019. Collection method: clinical testing. Allele origin: germline.
Comment: This variant was observed in the ICSL laboratory as part of a predisposition screen in an ostensibly healthy population. It had not been previously curated by ICSL or reported in the Human Gene Mutation Database (HGMD: prior to June 1st, 2018), and was therefore a candidate for classification through an automated scoring system. Utilizing variant allele frequency, disease prevalence and penetrance estimates, and inheritance mode, an automated score was calculated to assess if this variant is too frequent to cause the disease. Based on the score and internal cut-off values, a variant classified as benign is not then subjected to further curation. The score for this variant resulted in a classification of benign for this disease.

NM_198578.4(LRRK2):c.*1464T>G

Gene: LRRK2 (leucine rich repeat kinase 2; plus strand). Cytogenetic location: 12q12.
Variant type: single nucleotide variant.
Coding change: c.*1464T>G on transcript NM_198578.4 (MANE Select); 1464 bases downstream of the stop codon, T replaced by G.
Molecular consequence: 3 prime UTR variant.
Genome position (GRCh38, 1-based): chr12:40,369,229, T>G. VCF-style: chr12-40369229-T-G. GRCh37 (hg19) VCF-style: chr12-40763031-T-G.
Identifiers: ClinVar variation 308679 (VCV000308679.5), dbSNP rs17491828, ClinGen allele CA10637391.